The following is an entry in ClinVar:

ClinVar aggregate classification (germline): Uncertain significance (1 of 4 stars; one submission).

Allele frequency attached by ClinVar (database versions not stated): gnomAD exomes 0.00001 and 0.00002; ExAC 0.00002; gnomAD 0.00003; TOPMed 0.00003.
gnomAD v4.1: 15 of 1,612,456 alleles (0.00093%); highest among the groups gnomAD compares: South Asian, 0.0044%; no homozygotes.

Submission:

Labcorp Genetics (formerly Invitae), Labcorp
Classification: Uncertain significance. Last evaluated: 2021-09-24. Review status: criteria provided, single submitter. Criteria: Invitae Variant Classification Sherloc (09022015). Collection method: clinical testing. Allele origin: germline.
Comment: This sequence change replaces valine with isoleucine at codon 855 of the LTBP2 protein (p.Val855Ile). The valine residue is weakly conserved and there is a small physicochemical difference between valine and isoleucine. This variant is present in population databases (no rsID available, ExAC 0.007%). This variant has not been reported in the literature in individuals with LTBP2-related conditions. Algorithms developed to predict the effect of missense changes on protein structure and function output the following: SIFT: "Tolerated"; PolyPhen-2: "Benign"; Align-GVGD: "Class C0". The isoleucine amino acid residue is found in multiple mammalian species, suggesting that this missense change does not adversely affect protein function. These predictions have not been confirmed by published functional studies and their clinical significance is uncertain. In summary, the available evidence is currently insufficient to determine the role of this variant in disease. Therefore, it has been classified as a Variant of Uncertain Significance.

NM_000428.3(LTBP2):c.2563G>A (p.Val855Ile)

Gene: LTBP2 (latent transforming growth factor beta binding protein 2; minus strand). Cytogenetic location: 14q24.3.
Variant type: single nucleotide variant.
Coding change: c.2563G>A on transcript NM_000428.3 (MANE Select); coding-DNA position 2563, G replaced by A.
Protein change: p.Val855Ile; replaces valine 855 with isoleucine.
Molecular consequence: missense variant.
Genome position (GRCh38, 1-based): chr14:74,522,886, C>T on the plus strand (G>A on the coding strand, the complement: LTBP2 is on the minus strand). VCF-style: chr14-74522886-C-T. GRCh37 (hg19) VCF-style: chr14-74989589-C-T.
Other names: short protein forms V855I.
Identifiers: ClinVar variation 1395408 (VCV001395408.5), dbSNP rs1029091329, ClinGen allele CA7269454.